The following is an entry in ClinVar:

NM_080425.4(GNAS):c.1818C>T (p.Asn606=)

Gene: GNAS (GNAS complex locus; plus strand). Cytogenetic location: 20q13.32.
Variant type: single nucleotide variant.
Coding change: c.1818C>T on transcript NM_080425.4 (MANE Plus Clinical); coding-DNA position 1818, C replaced by T.
Protein change: p.Asn606=; no amino-acid change (asparagine 606 retained).
Molecular consequence: synonymous variant. On other transcripts: missense variant (2), intron variant (3).
Genome position (GRCh38, 1-based): chr20:58,855,083, C>T. VCF-style: chr20-58855083-C-T. GRCh37 (hg19) VCF-style: chr20-57430138-C-T.
Other names: c.1631C>T, p.Thr544Ile (NM_001077490.3, NM_001309883.1); c.1818C>T, p.Asn606= (NM_001410913.1); c.*42+14197C>T (NM_016592.5); c.43+14197C>T (NM_001410912.1); c.-39+13208C>T (NM_001309861.2); short protein forms T544I.
Identifiers: ClinVar variation 3353164 (VCV003353164.2).
Genomic context (GRCh38, chr20:58,855,083, plus strand): 5'-CGGATGCCTCCGCTGGTTTCAGCATCGGCGAAATCGCCGCCGCCGAAAGCCCCAGCGCAA[C>T]TTACTCCGCAACTTTCTCGTGCAAGCCTTCGGGGGCTGCTTCGGTCGATCTGAGAGTCCC-3'
Protein context (NP_536350.2, residues 596-616): RNRRRRKPQR[Asn606=]LLRNFLVQAF

ClinVar aggregate classification (germline): Uncertain significance (1 of 4 stars; one submission).

Conditions:
GNAS-related disorder. Identifiers: MedGen CN380105.

gnomAD v4.1: 2 of 1,613,510 alleles (0.00012%); highest among the groups gnomAD compares: Admixed American, 0.0033%; no homozygotes.

Submission:

PreventionGenetics, part of Exact Sciences
Classification: Uncertain significance for GNAS-related condition. Last evaluated: 2025-12-03. Review status: criteria provided, single submitter. Criteria: ACMG Guidelines, 2015. Collection method: clinical testing. Allele origin: germline.
Comment: The GNAS c.1631C>T variant is predicted to result in the amino acid substitution p.Thr544Ile. This variant is alternatively referred to as c.-36644C>T (pre-coding) on the primary transcript NM_000516 and c.1818C>T (p.Asn606=) in alternate transcript NM_080425.4. To our knowledge, this variant has not been reported in the literature. This variant is reported in 0.0029% of alleles in individuals of Latino descent in gnomAD. At this time, the clinical significance of this variant is uncertain due to the absence of conclusive functional and genetic evidence.